The following is an entry in ClinVar:

ClinVar aggregate classification (germline): Uncertain significance (1 of 4 stars; one submission).

Conditions:
LZTFL1-related disorder. Also called: LZTFL1-related condition.

gnomAD v4.1: 2 of 1,587,690 alleles (0.00013%); highest among the groups gnomAD compares: Non-Finnish European, 0.00017%; no homozygotes.

Submission:

PreventionGenetics, part of Exact Sciences
Classification: Uncertain significance for LZTFL1-related condition. Last evaluated: 2025-02-09. Review status: criteria provided, single submitter. Criteria: ACMG Guidelines, 2015. Collection method: clinical testing. Allele origin: germline.
Comment: The LZTFL1 c.473A>T variant is predicted to result in the amino acid substitution p.Gln158Leu. To our knowledge, this variant has not been reported in the literature or in a large population database (gnomAD), indicating this variant is rare. At this time, the clinical significance of this variant is uncertain due to the absence of conclusive functional and genetic evidence.

NM_020347.4(LZTFL1):c.473A>T (p.Gln158Leu)

Gene: LZTFL1 (leucine zipper transcription factor like 1; minus strand). Cytogenetic location: 3p21.31.
Variant type: single nucleotide variant.
Coding change: c.473A>T on transcript NM_020347.4 (MANE Select); coding-DNA position 473, A replaced by T.
Protein change: p.Gln158Leu; replaces glutamine 158 with leucine.
Molecular consequence: missense variant. On other transcripts: non-coding transcript variant (2), intron variant (1).
Genome position (GRCh38, 1-based): chr3:45,831,122, T>A on the plus strand (A>T on the coding strand, the complement: LZTFL1 is on the minus strand). VCF-style: chr3-45831122-T-A. GRCh37 (hg19) VCF-style: chr3-45872614-T-A.
Other names: c.422A>T, p.Gln141Leu (NM_001276378.2, NM_001386451.1, NM_001405922.1 and 4 more transcripts); c.461A>T, p.Gln154Leu (NM_001276379.2, NM_001405921.1); c.473A>T, p.Gln158Leu (NM_001386452.1); c.497A>T, p.Gln166Leu (NM_001405920.1, NM_001405925.1); c.457-132A>T (NM_001405924.1); short protein forms Q141L, Q158L, Q154L, Q166L.
Identifiers: ClinVar variation 4997737 (VCV004997737.1).